The following is an entry in ClinVar:

NM_020708.5(SLC12A5):c.287G>A (p.Arg96His)

Gene: SLC12A5 (solute carrier family 12 member 5; plus strand). Cytogenetic location: 20q13.12.
Variant type: single nucleotide variant.
Coding change: c.287G>A on transcript NM_020708.5 (MANE Select); coding-DNA position 287, G replaced by A.
Protein change: p.Arg96His; replaces arginine 96 with histidine.
Molecular consequence: missense variant.
Genome position (GRCh38, 1-based): chr20:46,035,784, G>A. VCF-style: chr20-46035784-G-A. GRCh37 (hg19) VCF-style: chr20-44664423-G-A.
Other names: c.356G>A, p.Arg119His (NM_001134771.2); c.356G>A (NM_001134771.1); short protein forms R96H, R119H.
Identifiers: ClinVar variation 855278 (VCV000855278.10), dbSNP rs756873079, ClinGen allele CA9887032.

ClinVar aggregate classification (germline): Uncertain significance. Review status: criteria provided, multiple submitters, no conflicts (2 of 4 stars). 4 submissions from 4 submitters: Uncertain significance (4). Last evaluated 2026-07-01.

Conditions:
Developmental and epileptic encephalopathy, 34 (DEE34). Also called: Early infantile epileptic encephalopathy 34; SLC12A5-Related Epilepsy of Infancy with Migrating Focal Seizures. Identifiers: Orphanet 293181, MedGen C4225257, MONDO:0014718, OMIM 616645.

Allele frequency attached by ClinVar (database versions not stated): ExAC 0.00002; gnomAD 0.00002 and 0.00003; gnomAD exomes 0.00003; TOPMed 0.00005.
gnomAD v4.1: 56 of 1,612,186 alleles (0.0035%); highest among the groups gnomAD compares: Admixed American, 0.015%; no homozygotes.

Submissions (4):

CeGaT Center for Human Genetics Tuebingen
Classification: Uncertain significance. Last evaluated: 2026-07-01. Review status: criteria provided, single submitter. Criteria: CeGaT Center For Human Genetics Tuebingen Variant Classification Criteria Version 2. Collection method: clinical testing. Allele origin: germline. Affected: yes. Observed: 1 variant allele.
Comment: SLC12A5: PM2, PP2

Labcorp Genetics (formerly Invitae), Labcorp
Classification: Uncertain significance for Developmental and epileptic encephalopathy, 34. Last evaluated: 2024-12-02. Review status: criteria provided, single submitter. Criteria: Invitae Variant Classification Sherloc (09022015). Collection method: clinical testing. Allele origin: germline.
Comment: This sequence change replaces arginine, which is basic and polar, with histidine, which is basic and polar, at codon 96 of the SLC12A5 protein (p.Arg96His). This variant is present in population databases (rs756873079, gnomAD 0.01%). This variant has not been reported in the literature in individuals affected with SLC12A5-related conditions. ClinVar contains an entry for this variant (Variation ID: 855278). Invitae Evidence Modeling of protein sequence and biophysical properties (such as structural, functional, and spatial information, amino acid conservation, physicochemical variation, residue mobility, and thermodynamic stability) indicates that this missense variant is not expected to disrupt SLC12A5 protein function with a negative predictive value of 80%. In summary, the available evidence is currently insufficient to determine the role of this variant in disease. Therefore, it has been classified as a Variant of Uncertain Significance.

Ambry Genetics
Classification: Uncertain significance. Last evaluated: 2023-12-17. Review status: criteria provided, single submitter. Criteria: Ambry Variant Classification Scheme 2023. Collection method: clinical testing. Allele origin: germline.

Laboratorio de Genetica e Diagnostico Molecular, Hospital Israelita Albert Einstein
Classification: Uncertain significance. Last evaluated: 2019-10-06. Review status: criteria provided, single submitter. Criteria: ACMG Guidelines, 2015. Collection method: clinical testing. Allele origin: germline. Affected: yes.
Comment: ACMG classification criteria: PM2